The following is an entry in ClinVar:

ClinVar aggregate classification (germline): Pathogenic (1 of 4 stars; one submission).

Submission:

Labcorp Genetics (formerly Invitae), Labcorp
Classification: Pathogenic. Last evaluated: 2023-12-13. Review status: criteria provided, single submitter. Criteria: Invitae Variant Classification Sherloc (09022015). Collection method: clinical testing. Allele origin: unknown.
Comment: A gross deletion of the genomic region encompassing the full coding sequence of the KCNV2 gene has been identified. Loss-of-function variants in KCNV2 are known to be pathogenic (PMID: 16909397, 18235024). The boundaries of this event are unknown as they extend beyond the assayed region for this gene and therefore may encompass additional genes. A similar copy number variant has been observed in individual(s) with retinal disease (PMID: 23077521, 24210337). For these reasons, this variant has been classified as Pathogenic.

Literature cited by the submitters: PubMed 16909397; PubMed 18235024; PubMed 23077521; PubMed 24210337.

NC_000009.11:g.(?_2717738)_(2729727_?)del

Gene: KCNV2 (potassium voltage-gated channel modifier subfamily V member 2; plus strand). Cytogenetic location: 9p24.2.
Variant type: Deletion.
Identifiers: ClinVar variation 3245387 (VCV003245387.1).